The following is an entry in ClinVar:

NM_000254.3(MTR):c.2294T>C (p.Val765Ala)

Gene: MTR (5-methyltetrahydrofolate-homocysteine methyltransferase; plus strand). Cytogenetic location: 1q43.
Variant type: single nucleotide variant.
Coding change: c.2294T>C on transcript NM_000254.3 (MANE Select); coding-DNA position 2294, T replaced by C.
Protein change: p.Val765Ala; replaces valine 765 with alanine.
Molecular consequence: missense variant.
Genome position (GRCh38, 1-based): chr1:236,862,333, T>C. VCF-style: chr1-236862333-T-C. GRCh37 (hg19) VCF-style: chr1-237025633-T-C.
Other names: c.2141T>C, p.Val714Ala (NM_001291939.1); c.1073T>C, p.Val358Ala (NM_001291940.2); short protein forms V714A, V358A, V765A.
Identifiers: ClinVar variation 1355820 (VCV001355820.3), dbSNP rs931972359, ClinGen allele CA39752897.

ClinVar aggregate classification (germline): Uncertain significance (1 of 4 stars; one submission).

Conditions:
Methylcobalamin deficiency type cblG (HMAG). Also called: HOMOCYSTINURIA-MEGALOBLASTIC ANEMIA, cblG COMPLEMENTATION TYPE; HOMOCYSTINURIA-MEGALOBLASTIC ANEMIA, cblG TYPE; HOMOCYSTINURIA-MEGALOBLASTIC ANEMIA DUE TO DEFECT IN COBALAMIN METABOLISM, cblG COMPLEMENTATION TYPE; Functional methionine synthase deficiency type cblG. Identifiers: Orphanet 2170, Orphanet 622, MedGen C1855128, MONDO:0009609, OMIM 250940.

Allele frequency attached by ClinVar (database versions not stated): gnomAD exomes 0.00001; TOPMed 0.00002.
gnomAD v4.1: 3 of 1,613,230 alleles (0.00019%); highest among the groups gnomAD compares: Admixed American, 0.0017%; no homozygotes.

Submission:

Labcorp Genetics (formerly Invitae), Labcorp
Classification: Uncertain significance for Methylcobalamin deficiency type cblG. Last evaluated: 2022-07-12. Review status: criteria provided, single submitter. Criteria: Invitae Variant Classification Sherloc (09022015). Collection method: clinical testing. Allele origin: germline.
Comment: This sequence change replaces valine, which is neutral and non-polar, with alanine, which is neutral and non-polar, at codon 765 of the MTR protein (p.Val765Ala). This variant is present in population databases (no rsID available, gnomAD 0.003%). This variant has not been reported in the literature in individuals affected with MTR-related conditions. ClinVar contains an entry for this variant (Variation ID: 1355820). Algorithms developed to predict the effect of missense changes on protein structure and function output the following: SIFT: "Tolerated"; PolyPhen-2: "Benign"; Align-GVGD: "Class C0". The alanine amino acid residue is found in multiple mammalian species, which suggests that this missense change does not adversely affect protein function. In summary, the available evidence is currently insufficient to determine the role of this variant in disease. Therefore, it has been classified as a Variant of Uncertain Significance.